The following is an entry in ClinVar:

NM_139343.3(BIN1):c.1418G>A (p.Gly473Glu)

Gene: BIN1 (bridging integrator 1; minus strand). Cytogenetic location: 2q14.3.
Variant type: single nucleotide variant.
Coding change: c.1418G>A on transcript NM_139343.3 (MANE Select); coding-DNA position 1418, G replaced by A.
Protein change: p.Gly473Glu; replaces glycine 473 with glutamic acid.
Molecular consequence: missense variant. On other transcripts: intron variant (3).
Genome position (GRCh38, 1-based): chr2:127,051,197, C>T on the plus strand (G>A on the coding strand, the complement: BIN1 is on the minus strand). VCF-style: chr2-127051197-C-T. GRCh37 (hg19) VCF-style: chr2-127808773-C-T.
Other names: c.1049G>A, p.Gly350Glu (NM_001320633.2); c.1178G>A, p.Gly393Glu (NM_001320640.2); c.1325G>A, p.Gly442Glu (NM_001320641.2); c.1337G>A, p.Gly446Glu (NM_001320642.1); c.1001G>A, p.Gly334Glu (NM_004305.4); c.1289G>A, p.Gly430Glu (NM_139344.3); c.1157G>A, p.Gly386Glu (NM_139345.3); c.1130G>A, p.Gly377Glu (NM_139346.3); and 7 more; short protein forms G319E, G362E, G386E, G430E, G334E, G393E, G442E, G446E.
Identifiers: ClinVar variation 4691927 (VCV004691927.1).

ClinVar aggregate classification (germline): Uncertain significance (1 of 4 stars; one submission).

Conditions:
Myopathy, centronuclear, 2 (CNM2). Also called: MYOTUBULAR MYOPATHY, AUTOSOMAL RECESSIVE. Identifiers: Orphanet 169186, MedGen CN031787, MONDO:0009709, OMIM 255200.

gnomAD v4.1: 8 of 1,613,502 alleles (0.0005%); highest among the groups gnomAD compares: Admixed American, 0.013%; no homozygotes.

Submission:

Labcorp Genetics (formerly Invitae), Labcorp
Classification: Uncertain significance for Myopathy, centronuclear, 2. Last evaluated: 2025-12-30. Review status: criteria provided, single submitter. Criteria: Invitae Variant Classification Sherloc (09022015). Collection method: clinical testing. Allele origin: germline.
Comment: This sequence change replaces glycine, which is neutral and non-polar, with glutamic acid, which is acidic and polar, at codon 473 of the BIN1 protein (p.Gly473Glu). This variant is present in population databases (no rsID available, gnomAD 0.006%). This variant has not been reported in the literature in individuals affected with BIN1-related conditions. An algorithm developed to predict the effect of missense changes on protein structure and function outputs the following: PolyPhen-2: "Benign". The glutamic acid amino acid residue is found in multiple mammalian species, which suggests that this missense change does not adversely affect protein function. In summary, the available evidence is currently insufficient to determine the role of this variant in disease. Therefore, it has been classified as a Variant of Uncertain Significance.